The following is an entry in ClinVar:

NM_000368.5(TSC1):c.758A>G (p.His253Arg)

Gene: TSC1 (TSC complex subunit 1; minus strand). Cytogenetic location: 9q34.13.
Variant type: single nucleotide variant.
Coding change: c.758A>G on transcript NM_000368.5 (MANE Select); coding-DNA position 758, A replaced by G.
Protein change: p.His253Arg; replaces histidine 253 with arginine.
Molecular consequence: missense variant. On other transcripts: non-coding transcript variant (5), 5 prime UTR variant (5).
Genome position (GRCh38, 1-based): chr9:132,912,437, T>C on the plus strand (A>G on the coding strand, the complement: TSC1 is on the minus strand). VCF-style: chr9-132912437-T-C. GRCh37 (hg19) VCF-style: chr9-135787824-T-C.
Other names: c.758A>G, p.His253Arg (NM_001162426.2, NM_001406592.1, NM_001406593.1 and 16 more transcripts); c.605A>G, p.His202Arg (NM_001162427.2, NM_001406612.1, NM_001406613.1 and 2 more transcripts); c.395A>G, p.His132Arg (NM_001362177.2, NM_001406614.1, NM_001406615.1 and 10 more transcripts); c.-194A>G (NM_001406626.1, NM_001406627.1, NM_001406628.1); c.-336A>G (NM_001406629.1, NM_001406630.1); short protein forms H202R, H253R, H132R.
Identifiers: ClinVar variation 3686443 (VCV003686443.2).
Genomic context (GRCh38, chr9:132,912,437, plus strand): 5'-TCTTCATATGAGGCTTCTGTGGGATCCAGAGAGATTTTGGCACACTCGATCACAACATCA[T>C]GAGTTTCTAATCTCTTCCACCTGTAAAATGCAATGAAAGTCAAGAAATGCAAACTGTAAT-3'
Protein context (NP_000359.1, residues 243-263): DPRRWKRLET[His253Arg]DVVIECAKIS

ClinVar aggregate classification (germline): Uncertain significance (1 of 4 stars; one submission).

Conditions:
Tuberous sclerosis 1 (TSC1). Identifiers: Orphanet 805, MedGen C1854465, MONDO:0008612, OMIM 191100.

gnomAD v4.1: 1 of 1,614,190 alleles (0.000062%); highest among the groups gnomAD compares: Non-Finnish European, 0.000085%; no homozygotes.

Submission:

Labcorp Genetics (formerly Invitae), Labcorp
Classification: Uncertain significance for Tuberous sclerosis 1. Last evaluated: 2024-11-22. Review status: criteria provided, single submitter. Criteria: Invitae Variant Classification Sherloc (09022015). Collection method: clinical testing. Allele origin: germline.
Comment: This sequence change replaces histidine, which is basic and polar, with arginine, which is basic and polar, at codon 253 of the TSC1 protein (p.His253Arg). This variant is not present in population databases (gnomAD no frequency). This variant has not been reported in the literature in individuals affected with TSC1-related conditions. Invitae Evidence Modeling of protein sequence and biophysical properties (such as structural, functional, and spatial information, amino acid conservation, physicochemical variation, residue mobility, and thermodynamic stability) indicates that this missense variant is not expected to disrupt TSC1 protein function with a negative predictive value of 95%. In summary, the available evidence is currently insufficient to determine the role of this variant in disease. Therefore, it has been classified as a Variant of Uncertain Significance.